The following is an entry in ClinVar:

ClinVar aggregate classification (germline): Conflicting classifications of pathogenicity. Review status: criteria provided, conflicting classifications (1 of 4 stars). 2 submissions from 2 submitters: Likely pathogenic (1); Uncertain significance (1). Last evaluated 2025-10-23.

Conditions:
Osteogenesis imperfecta type I (OI1). Also called: OI, TYPE I; OSTEOGENESIS IMPERFECTA TARDA; OSTEOGENESIS IMPERFECTA WITH BLUE SCLERAE; Classic Non-deforming Osteogenesis Imperfecta with Blue Sclerae; Lobstein disease; Osteogenesis imperfecta type 1. Identifiers: Orphanet 216796, Orphanet 666, MedGen C0023931, MONDO:0008146, OMIM 166200. Disease mechanism: loss of function.

gnomAD v4.1: 7 of 1,613,930 alleles (0.00043%); highest among the groups gnomAD compares: East Asian, 0.0022%; no homozygotes.

Submissions (2):

Labcorp Genetics (formerly Invitae), Labcorp
Classification: Likely pathogenic for Osteogenesis imperfecta type I. Last evaluated: 2025-10-23. Review status: criteria provided, single submitter. Criteria: Invitae Variant Classification Sherloc (09022015). Collection method: clinical testing. Allele origin: germline.
Comment: This sequence change replaces arginine, which is basic and polar, with histidine, which is basic and polar, at codon 733 of the COL1A1 protein (p.Arg733His). This variant is not present in population databases (gnomAD no frequency). This variant has not been reported in the literature in individuals affected with COL1A1-related conditions. ClinVar contains an entry for this variant (Variation ID: 3897381). Invitae Evidence Modeling of protein sequence and biophysical properties (such as structural, functional, and spatial information, amino acid conservation, physicochemical variation, residue mobility, and thermodynamic stability) indicates that this missense variant is expected to disrupt COL1A1 protein function with a positive predictive value of 95%. This variant disrupts the p.Arg733 amino acid residue in COL1A1. Other variant(s) that disrupt this residue have been determined to be pathogenic (PMID: 36896471; internal data). This suggests that this residue is clinically significant, and that variants that disrupt this residue are likely to be disease-causing. In summary, the currently available evidence indicates that the variant is pathogenic, but additional data are needed to prove that conclusively. Therefore, this variant has been classified as Likely Pathogenic.

GeneDx
Classification: Uncertain significance. Last evaluated: 2024-10-29. Review status: criteria provided, single submitter. Criteria: GeneDx Variant Classification Process June 2021. Collection method: clinical testing. Allele origin: germline. Affected: yes.
Comment: Not observed at significant frequency in large population cohorts (gnomAD); In silico analysis supports that this missense variant has a deleterious effect on protein structure/function; Occurs in the triple helical domain at the Y position in the canonical Gly-X-Y repeat; although this variant may have an effect on normal protein folding and function, missense substitution at the Y position is not a common mechanism of disease (HGMD); Has not been previously published as pathogenic or benign to our knowledge

Literature cited by the submitters: PubMed 36896471 (cited by Labcorp Genetics (formerly Invitae), Labcorp).

NM_000088.4(COL1A1):c.2198G>A (p.Arg733His)

Gene: COL1A1 (collagen type I alpha 1 chain; minus strand). Cytogenetic location: 17q21.33.
Variant type: single nucleotide variant.
Coding change: c.2198G>A on transcript NM_000088.4 (MANE Select); coding-DNA position 2198, G replaced by A.
Protein change: p.Arg733His; replaces arginine 733 with histidine.
Molecular consequence: missense variant.
Genome position (GRCh38, 1-based): chr17:50,191,420, C>T on the plus strand (G>A on the coding strand, the complement: COL1A1 is on the minus strand). VCF-style: chr17-50191420-C-T. GRCh37 (hg19) VCF-style: chr17-48268781-C-T.
Other names: short protein forms R733H.
Identifiers: ClinVar variation 3897381 (VCV003897381.2).